The following is an entry in ClinVar:

ClinVar aggregate classification (germline): Uncertain significance (1 of 4 stars; one submission).

Conditions:
Combined immunodeficiency due to MALT1 deficiency. Also called: Immunodeficiency 12. Identifiers: Orphanet 397964, MedGen C3809583, MONDO:0014197, OMIM 615468.

Submission:

Baylor Genetics
Classification: Uncertain significance for Combined immunodeficiency due to MALT1 deficiency. Last evaluated: 2018-05-25. Review status: criteria provided, single submitter. Criteria: ACMG Guidelines, 2015. Collection method: clinical testing. Allele origin: paternal. Affected: yes.
Comment: This variant was determined to be of uncertain significance according to ACMG Guidelines, 2015 [PMID:25741868].

NM_006785.4(MALT1):c.2273A>G (p.His758Arg)

Gene: MALT1 (MALT1 paracaspase; plus strand). Cytogenetic location: 18q21.32.
Variant type: single nucleotide variant.
Coding change: c.2273A>G on transcript NM_006785.4 (MANE Select); coding-DNA position 2273, A replaced by G.
Protein change: p.His758Arg; replaces histidine 758 with arginine.
Molecular consequence: missense variant.
Genome position (GRCh38, 1-based): chr18:58,747,640, A>G. VCF-style: chr18-58747640-A-G. GRCh37 (hg19) VCF-style: chr18-56414872-A-G.
Other names: c.2240A>G, p.His747Arg (NM_173844.3); short protein forms H747R, H758R.
Identifiers: ClinVar variation 1031679 (VCV001031679.1), dbSNP rs2055388108, ClinGen allele CA402576908.